The following is an entry in ClinVar:

NM_004727.3(SLC24A1):c.2983C>T (p.Arg995Ter)

Gene: SLC24A1 (solute carrier family 24 member 1; plus strand). Cytogenetic location: 15q22.31.
Variant type: single nucleotide variant.
Coding change: c.2983C>T on transcript NM_004727.3 (MANE Select); coding-DNA position 2983, C replaced by T.
Protein change: p.Arg995Ter; replaces arginine 995 with a stop codon.
Molecular consequence: nonsense.
Genome position (GRCh38, 1-based): chr15:65,652,741, C>T. VCF-style: chr15-65652741-C-T. GRCh37 (hg19) VCF-style: chr15-65945079-C-T.
Other names: c.964C>T, p.Arg322Ter (NM_001254740.2); c.2893C>T, p.Arg965Ter (NM_001301031.1); c.2929C>T, p.Arg977Ter (NM_001301032.1, NM_001301033.2); c.2641C>T, p.Arg881Ter (NM_001411142.1); short protein forms R881*, R322*, R995*, R965*, R977*.
Identifiers: ClinVar variation 2980958 (VCV002980958.4), dbSNP rs762665302, ClinGen allele CA7620290.

ClinVar aggregate classification (germline): Pathogenic/Likely pathogenic. Review status: criteria provided, multiple submitters, no conflicts (2 of 4 stars). 2 submissions from 2 submitters: Pathogenic (1); Likely pathogenic (1). Last evaluated 2025-09-10.

Conditions:
Congenital stationary night blindness 1D. Also called: Night blindness, congenital stationary (complete), 1D, autosomal recessive. Identifiers: Orphanet 215, MedGen C3151193, MONDO:0013450, OMIM 613830.

Allele frequency attached by ClinVar (database versions not stated): ExAC 0.00001; gnomAD exomes 0.00001; TOPMed 0.00002.
gnomAD v4.1: 12 of 1,613,564 alleles (0.00074%); highest among the groups gnomAD compares: East Asian, 0.0045%; no homozygotes.

Submissions (2):

Labcorp Genetics (formerly Invitae), Labcorp
Classification: Pathogenic. Last evaluated: 2025-09-10. Review status: criteria provided, single submitter. Criteria: Invitae Variant Classification Sherloc (09022015). Collection method: clinical testing. Allele origin: germline.
Comment: This sequence change creates a premature translational stop signal (p.Arg995*) in the SLC24A1 gene. It is expected to result in an absent or disrupted protein product. Loss-of-function variants in SLC24A1 are known to be pathogenic (PMID: 20850105, 26822852). This variant is present in population databases (rs762665302, gnomAD 0.006%). This variant has not been reported in the literature in individuals affected with SLC24A1-related conditions. ClinVar contains an entry for this variant (Variation ID: 2980958). Algorithms developed to predict the effect of sequence changes on RNA splicing suggest that this variant may disrupt the consensus splice site. For these reasons, this variant has been classified as Pathogenic.

Revvity Omics, Revvity
Classification: Likely pathogenic for Congenital stationary night blindness 1D. Last evaluated: 2024-12-31. Review status: criteria provided, single submitter. Criteria: ACMG Guidelines, 2015. Collection method: clinical testing. Allele origin: germline.

Literature cited by the submitters: PubMed 20850105 (cited by Labcorp Genetics (formerly Invitae), Labcorp); PubMed 26822852 (cited by Labcorp Genetics (formerly Invitae), Labcorp).